The following is an entry in ClinVar:

ClinVar aggregate classification (germline): Uncertain significance (1 of 4 stars; one submission).

Conditions:
Cardiovascular phenotype. Identifiers: MedGen CN230736.

Submission:

Ambry Genetics
Classification: Uncertain significance for Cardiovascular phenotype. Last evaluated: 2026-06-18. Review status: criteria provided, single submitter. Criteria: Ambry Variant Classification Scheme 2023. Collection method: clinical testing. Allele origin: germline.
Comment: The c.1993T>A (p.F665I) alteration is located in exon 14 (coding exon 14) of the CACNA1C gene. This alteration results from a T to A substitution at nucleotide position 1993, causing the phenylalanine (F) at amino acid position 665 to be replaced by an isoleucine (I). This variant was not reported in population-based cohorts in the Genome Aggregation Database (gnomAD). This amino acid position is highly conserved in available vertebrate species. This missense variant is located in a region that has a low rate of benign missense variation (Lek, 2016; Firth, 2009). This alteration is predicted to be deleterious by in silico analysis. Based on insufficient or conflicting evidence, the clinical significance of this alteration remains unclear.

NM_000719.7(CACNA1C):c.1993T>A (p.Phe665Ile)

Gene: CACNA1C (calcium voltage-gated channel subunit alpha1 C; plus strand). Cytogenetic location: 12p13.33.
Variant type: single nucleotide variant.
Coding change: c.1993T>A on transcript NM_000719.7 (MANE Select); coding-DNA position 1993, T replaced by A.
Protein change: p.Phe665Ile; replaces phenylalanine 665 with isoleucine.
Molecular consequence: missense variant.
Genome position (GRCh38, 1-based): chr12:2,581,687, T>A. VCF-style: chr12-2581687-T-A. GRCh37 (hg19) VCF-style: chr12-2690853-T-A.
Other names: c.1993T>A, p.Phe665Ile (NM_001129832.2, NM_001129833.2, NM_001129834.2 and 18 more transcripts); c.1984T>A, p.Phe662Ile (NM_001129844.2); short protein forms F665I, F662I.
Identifiers: ClinVar variation 5033585 (VCV005033585.1).
Genomic context (GRCh38, chr12:2,581,687, plus strand): 5'-CTGAACTCTGTGCGCTCCATCGCCTCCCTGCTCCTTCTCCTCTTCCTCTTCATCATCATC[T>A]TCTCCCTCCTGGGGATGCAGCTCTTTGGAGGAAAGTTCAACTTTGATGAGATGCAGACCC-3'
Protein context (NP_000710.5, residues 655-675): LLLLFLFIII[Phe665Ile]SLLGMQLFGG